The following is an entry in ClinVar:

NM_003394.4(WNT10B):c.994C>T (p.Arg332Trp)

Gene: WNT10B (Wnt family member 10B; minus strand). Cytogenetic location: 12q13.12.
Variant type: single nucleotide variant.
Coding change: c.994C>T on transcript NM_003394.4 (MANE Select); coding-DNA position 994, C replaced by T.
Protein change: p.Arg332Trp; replaces arginine 332 with tryptophan.
Molecular consequence: missense variant.
Genome position (GRCh38, 1-based): chr12:48,966,271, G>A on the plus strand (C>T on the coding strand, the complement: WNT10B is on the minus strand). VCF-style: chr12-48966271-G-A. GRCh37 (hg19) VCF-style: chr12-49360054-G-A.
Other names: short protein forms R332W.
Identifiers: ClinVar variation 7630 (VCV000007630.4), dbSNP rs121918349, ClinGen allele CA118933.

ClinVar aggregate classification (germline): Pathogenic. Review status: criteria provided, single submitter (1 of 4 stars). 2 submissions from 2 submitters: Pathogenic (1). 1 of the submissions does not count toward it. Last evaluated 2023-03-10.

Conditions:
Split hand-foot malformation 6. Also called: ECTRODACTYLY, AUTOSOMAL RECESSIVE. Identifiers: Orphanet 2440, MedGen C2749665, MONDO:0009157, OMIM 225300.

Allele frequency attached by ClinVar (database versions not stated): gnomAD 0.00001; TOPMed 0.00001; 1000 Genomes Project 30x 0.00016; 1000 Genomes Project 0.00020.

Submissions (2):

Labcorp Genetics (formerly Invitae), Labcorp
Classification: Pathogenic. Last evaluated: 2023-03-10. Review status: criteria provided, single submitter. Criteria: Invitae Variant Classification Sherloc (09022015). Collection method: clinical testing. Allele origin: germline.
Comment: This variant is present in population databases (rs121918349, gnomAD 0.006%). This missense change has been observed in individuals with clinical features of split-hand/foot malformation (PMID: 18515319; Invitae). It has also been observed to segregate with disease in related individuals. This sequence change replaces arginine, which is basic and polar, with tryptophan, which is neutral and slightly polar, at codon 332 of the WNT10B protein (p.Arg332Trp). For these reasons, this variant has been classified as Pathogenic. Advanced modeling of protein sequence and biophysical properties (such as structural, functional, and spatial information, amino acid conservation, physicochemical variation, residue mobility, and thermodynamic stability) performed at Invitae indicates that this missense variant is expected to disrupt WNT10B protein function. ClinVar contains an entry for this variant (Variation ID: 7630).

OMIM
Classification: Pathogenic for SPLIT-HAND/FOOT MALFORMATION 6. Last evaluated: 2008-09-01. Review status: no assertion criteria provided. Collection method: literature only. Allele origin: germline. Not counted in ClinVar's aggregate classification.

Literature cited by the submitters: PubMed 18515319 (cited by Labcorp Genetics (formerly Invitae), Labcorp and OMIM); PubMed 12072797 (cited by OMIM).